The following is an entry in ClinVar:

ClinVar aggregate classification (germline): Likely pathogenic (1 of 4 stars; one submission).

Allele frequency attached by ClinVar (database versions not stated): gnomAD exomes below 0.00001.
gnomAD v4.1: 1 of 1,609,094 alleles (0.000062%); highest among the groups gnomAD compares: Admixed American, 0.0017%; no homozygotes.

Submission:

Labcorp Genetics (formerly Invitae), Labcorp
Classification: Likely pathogenic. Last evaluated: 2023-12-13. Review status: criteria provided, single submitter. Criteria: Invitae Variant Classification Sherloc (09022015). Collection method: clinical testing. Allele origin: germline.
Comment: This sequence change affects an acceptor splice site in intron 8 of the LRPPRC gene. It is expected to disrupt RNA splicing. Variants that disrupt the donor or acceptor splice site typically lead to a loss of protein function (PMID: 16199547), and loss-of-function variants in LRPPRC are known to be pathogenic (PMID: 26510951). The frequency data for this variant in the population databases is considered unreliable, as metrics indicate poor data quality at this position in the gnomAD database. This variant has not been reported in the literature in individuals affected with LRPPRC-related conditions. Algorithms developed to predict the effect of sequence changes on RNA splicing suggest that this variant may disrupt the consensus splice site. In summary, the currently available evidence indicates that the variant is pathogenic, but additional data are needed to prove that conclusively. Therefore, this variant has been classified as Likely Pathogenic.

Literature cited by the submitters: PubMed 16199547; PubMed 26510951.

NM_133259.4(LRPPRC):c.1010-1G>A

Gene: LRPPRC (leucine rich pentatricopeptide repeat containing; minus strand). Cytogenetic location: 2p21.
Variant type: single nucleotide variant.
Coding change: c.1010-1G>A on transcript NM_133259.4 (MANE Select); the canonical splice acceptor site of the intron before coding-DNA position 1010, G replaced by A.
Molecular consequence: splice acceptor variant.
Genome position (GRCh38, 1-based): chr2:43,974,296, C>T on the plus strand (G>A on the coding strand, the complement: LRPPRC is on the minus strand). VCF-style: chr2-43974296-C-T. GRCh37 (hg19) VCF-style: chr2-44201435-C-T.
Identifiers: ClinVar variation 2702722 (VCV002702722.3), dbSNP rs1334556134, ClinGen allele CA346673581.